The following is an entry in ClinVar:

ClinVar aggregate classification (germline): Pathogenic/Likely pathogenic. Review status: criteria provided, multiple submitters, no conflicts (2 of 4 stars). 6 submissions from 4 submitters: Pathogenic (2); Likely pathogenic (4). Last evaluated 2026-01-08.

Conditions:
Leber congenital amaurosis (LCA). Also called: Leber's amaurosis. Identifiers: Orphanet 65, MedGen C0339527, MeSH D057130, MONDO:0018998.
Leber congenital amaurosis 8 (LCA8). Identifiers: Orphanet 65, MedGen C3151202, MONDO:0013453, OMIM 613835.
Retinitis pigmentosa 12 (RP12). Also called: RP WITH OR WITHOUT PPRPE; RP WITH OR WITHOUT PRESERVED PARAARTERIOLE RETINAL PIGMENT EPITHELIUM; RETINITIS PIGMENTOSA WITH OR WITHOUT PARAARTERIOLAR PRESERVATION OF RETINAL PIGMENT EPITHELIUM. Identifiers: Orphanet 791, MedGen C1838647, MONDO:0010818, OMIM 600105.
CRB1-related disorder. Also called: CRB1-related condition; CRB1-related disorders.
Pigmented paravenous retinochoroidal atrophy. Identifiers: Orphanet 251295, MedGen C1868310, MONDO:0008246, OMIM 172870.

Allele frequency attached by ClinVar (database versions not stated): TOPMed below 0.00001.

Submissions (6):

Natera, Inc.
Classification: Likely pathogenic for Leber congenital amaurosis. Last evaluated: 2026-01-08. Review status: criteria provided, single submitter. Criteria: Natera Variant Classification Schema (03/2026). Collection method: clinical testing. Allele origin: germline.
Comment: The c.1436T>C variant in CRB1 is a missense variant predicted to cause substitution of leucine to proline at amino acid 479. This variant is rare in the general population with a frequency below the threshold expected for the associated phenotype(s). This variant has been observed in one or more individuals affected with the associated recessive disease, as either homozygous or compound heterozygous with a second variant (PMID: 33576794, 28819299, 28559085). This variant has been identified in one or more affected individual with a phenotype highly consistent with the associated gene (PMID: 28819299). Computational prediction algorithms indicate this variant is likely to affect gene or protein function. Given the available evidence, this variant is classified as Likely Pathogenic.

Blueprint Genetics
Classification: Pathogenic for CRB1-related disorders. Last evaluated: 2023-11-16. Review status: criteria provided, single submitter. Criteria: ACMG Guidelines, 2015. Collection method: clinical testing. Allele origin: germline. Affected: yes. Observed: 4 variant alleles.

Labcorp Genetics (formerly Invitae), Labcorp
Classification: Pathogenic for Leber congenital amaurosis 8; Retinitis pigmentosa 12. Last evaluated: 2023-05-02. Review status: criteria provided, single submitter. Criteria: Invitae Variant Classification Sherloc (09022015). Collection method: clinical testing. Allele origin: germline.
Comment: This missense change has been observed in individuals with retinitis pigmentosa (PMID: 28559085, 28819299, 28912962, 33576794). This variant is not present in population databases (gnomAD no frequency). This sequence change replaces leucine, which is neutral and non-polar, with proline, which is neutral and non-polar, at codon 479 of the CRB1 protein (p.Leu479Pro). ClinVar contains an entry for this variant (Variation ID: 866833). For these reasons, this variant has been classified as Pathogenic. Advanced modeling of protein sequence and biophysical properties (such as structural, functional, and spatial information, amino acid conservation, physicochemical variation, residue mobility, and thermodynamic stability) performed at Invitae indicates that this missense variant is expected to disrupt CRB1 protein function.

Genome-Nilou Lab
Classification: Likely pathogenic for Leber congenital amaurosis 8. Last evaluated: 2023-04-11. Review status: criteria provided, single submitter. Criteria: ACMG Guidelines, 2015. Collection method: clinical testing. Allele origin: germline. Affected: no.

Genome-Nilou Lab
Classification: Likely pathogenic for Pigmented paravenous retinochoroidal atrophy. Last evaluated: 2023-04-11. Review status: criteria provided, single submitter. Criteria: ACMG Guidelines, 2015. Collection method: clinical testing. Allele origin: germline. Affected: no.

Genome-Nilou Lab
Classification: Likely pathogenic for Retinitis pigmentosa 12. Last evaluated: 2023-04-11. Review status: criteria provided, single submitter. Criteria: ACMG Guidelines, 2015. Collection method: clinical testing. Allele origin: germline. Affected: no.

Literature cited by the submitters: PubMed 33576794 (cited by Natera, Inc. and Labcorp Genetics (formerly Invitae), Labcorp); PubMed 28819299 (cited by Natera, Inc. and Labcorp Genetics (formerly Invitae), Labcorp); PubMed 28559085 (cited by Natera, Inc. and Labcorp Genetics (formerly Invitae), Labcorp); PubMed 28912962 (cited by Labcorp Genetics (formerly Invitae), Labcorp).

NM_201253.3(CRB1):c.1436T>C (p.Leu479Pro)

Gene: CRB1 (crumbs cell polarity complex component 1; plus strand). Cytogenetic location: 1q31.3.
Variant type: single nucleotide variant.
Coding change: c.1436T>C on transcript NM_201253.3 (MANE Select); coding-DNA position 1436, T replaced by C.
Protein change: p.Leu479Pro; replaces leucine 479 with proline.
Molecular consequence: missense variant. On other transcripts: non-coding transcript variant (2).
Genome position (GRCh38, 1-based): chr1:197,421,264, T>C. VCF-style: chr1-197421264-T-C. GRCh37 (hg19) VCF-style: chr1-197390394-T-C.
Other names: c.1100T>C, p.Leu367Pro (NM_001193640.2); c.1229T>C, p.Leu410Pro (NM_001257965.2); c.1436T>C, p.Leu479Pro (NM_001257966.2); short protein forms L367P, L410P, L479P.
Identifiers: ClinVar variation 866833 (VCV000866833.9), dbSNP rs963201816, ClinGen allele CA35893495.